The following is an entry in ClinVar:

NM_016616.5(NME8):c.953C>G (p.Thr318Arg)

Gene: NME8 (NME/NM23 family member 8; plus strand). Cytogenetic location: 7p14.1.
Variant type: single nucleotide variant.
Coding change: c.953C>G on transcript NM_016616.5 (MANE Select); coding-DNA position 953, C replaced by G.
Protein change: p.Thr318Arg; replaces threonine 318 with arginine.
Molecular consequence: missense variant.
Genome position (GRCh38, 1-based): chr7:37,876,966, C>G. VCF-style: chr7-37876966-C-G. GRCh37 (hg19) VCF-style: chr7-37916568-C-G.
Other names: short protein forms T318R.
Identifiers: ClinVar variation 1052344 (VCV001052344.9), dbSNP rs113903273, ClinGen allele CA367223600.

ClinVar aggregate classification (germline): Uncertain significance (1 of 4 stars; one submission).

Conditions:
Primary ciliary dyskinesia 6. Also called: Primary Ciliary Dyskinesia 6: TXNDC3-Related Primary Ciliary Dyskinesia. Identifiers: Orphanet 244, MedGen C1970506, MONDO:0012571, OMIM 610852.

gnomAD v4.1: 13 of 1,613,170 alleles (0.00081%); highest among the groups gnomAD compares: Non-Finnish European, 0.001%; no homozygotes.

Submission:

Labcorp Genetics (formerly Invitae), Labcorp
Classification: Uncertain significance for Primary ciliary dyskinesia 6. Last evaluated: 2023-11-27. Review status: criteria provided, single submitter. Criteria: Invitae Variant Classification Sherloc (09022015). Collection method: clinical testing. Allele origin: germline.
Comment: This sequence change replaces threonine, which is neutral and polar, with arginine, which is basic and polar, at codon 318 of the NME8 protein (p.Thr318Arg). This variant is not present in population databases (gnomAD no frequency). This variant has not been reported in the literature in individuals affected with NME8-related conditions. ClinVar contains an entry for this variant (Variation ID: 1052344). Advanced modeling of protein sequence and biophysical properties (such as structural, functional, and spatial information, amino acid conservation, physicochemical variation, residue mobility, and thermodynamic stability) performed at Invitae indicates that this missense variant is not expected to disrupt NME8 protein function with a negative predictive value of 80%. In summary, the available evidence is currently insufficient to determine the role of this variant in disease. Therefore, it has been classified as a Variant of Uncertain Significance.